The following is an entry in ClinVar:

NM_000368.5(TSC1):c.2696C>G (p.Thr899Ser)

Gene: TSC1 (TSC complex subunit 1; minus strand). Cytogenetic location: 9q34.13.
Variant type: single nucleotide variant.
Coding change: c.2696C>G on transcript NM_000368.5 (MANE Select); coding-DNA position 2696, C replaced by G.
Protein change: p.Thr899Ser; replaces threonine 899 with serine.
Molecular consequence: missense variant.
Genome position (GRCh38, 1-based): chr9:132,897,540, G>C on the plus strand (C>G on the coding strand, the complement: TSC1 is on the minus strand). VCF-style: chr9-132897540-G-C. GRCh37 (hg19) VCF-style: chr9-135772927-G-C.
Other names: c.2693C>G, p.Thr898Ser (NM_001162426.2); c.2543C>G, p.Thr848Ser (NM_001162427.2); c.2333C>G, p.Thr778Ser (NM_001362177.2); short protein forms T899S, T898S, T778S, T848S.
Identifiers: ClinVar variation 41695 (VCV000041695.25), dbSNP rs76801599, ClinGen allele CA006893.

ClinVar aggregate classification (germline): Benign/Likely benign. Review status: criteria provided, multiple submitters, no conflicts (2 of 4 stars). 12 submissions from 11 submitters: Benign (4); Likely benign (6). 2 of the submissions do not count toward it. Last evaluated 2026-02-01.

Conditions:
Hereditary cancer-predisposing syndrome. Also called: Tumor predisposition; Neoplastic Syndromes, Hereditary; Hereditary neoplastic syndrome; Hereditary Cancer Syndrome. Identifiers: Orphanet 140162, MedGen C0027672, MeSH D009386, MONDO:0015356.
Tuberous sclerosis syndrome (TSC). Also called: Tuberous Sclerosis Complex; Tuberous sclerosis. Identifiers: Orphanet 805, MedGen C0041341, MONDO:0001734.
Isolated focal cortical dysplasia type II (FCORD2). Also called: Focal cortical dysplasia type II; CORTICAL DYSPLASIA OF TAYLOR. Identifiers: Orphanet 268994, MedGen C1846385, MONDO:0011818, OMIM 607341, HP:0032051.
Tuberous sclerosis 1 (TSC1). Identifiers: Orphanet 805, MedGen C1854465, MONDO:0008612, OMIM 191100.

Allele frequency attached by ClinVar (database versions not stated): gnomAD exomes 0.00005; ExAC 0.00007; 1000 Genomes Project 30x 0.00031; 1000 Genomes Project 0.00040; TOPMed 0.00001; gnomAD 0.00003.
gnomAD v4.1: 170 of 1,597,948 alleles (0.011%); highest among the groups gnomAD compares: East Asian, 0.39%; 2 homozygotes.

Submissions (12):

Labcorp Genetics (formerly Invitae), Labcorp
Classification: Benign for Tuberous sclerosis 1. Last evaluated: 2026-02-01. Review status: criteria provided, single submitter. Criteria: Invitae Variant Classification Sherloc (09022015). Collection method: clinical testing. Allele origin: germline.

Myriad Genetics, Inc.
Classification: Likely benign for Tuberous sclerosis 1. Last evaluated: 2024-08-13. Review status: criteria provided, single submitter. Criteria: Myriad Autosomal Dominant, Autosomal Recessive and X-Linked Classification Criteria (2023). Collection method: clinical testing. Allele origin: unknown.
Comment: This variant is considered likely benign. This variant has been observed at a population frequency that is significantly greater than expected given the associated disease prevalence and penetrance.

All of Us Research Program, National Institutes of Health
Classification: Benign for Tuberous sclerosis syndrome. Last evaluated: 2024-02-05. Review status: criteria provided, single submitter. Criteria: ACMG Guidelines, 2015. Collection method: clinical testing. Allele origin: germline. Inheritance: Autosomal dominant inheritance. Observed: 6 variant alleles, 6 heterozygotes.
Comment: This study involves interpretation of variants in research participants for the purpose of population health screening. Participant phenotype was not available at the time of variant classification. Additional details can be found in publication PMID: 35346344, PMCID: PMC8962531

Color Diagnostics, LLC DBA Color Health
Classification: Benign for Tuberous sclerosis syndrome. Last evaluated: 2022-08-31. Review status: criteria provided, single submitter. Criteria: ACMG Guidelines, 2015. Collection method: clinical testing. Allele origin: germline.

Genome-Nilou Lab
Classification: Benign for Tuberous sclerosis 1. Last evaluated: 2021-11-07. Review status: criteria provided, single submitter. Criteria: ACMG Guidelines, 2015. Collection method: clinical testing. Allele origin: germline. Affected: no.

Division of Genomic Medicine, Department of Advanced Medicine, Medical Research Institute, Kanazawa Medical University
Classification: Likely benign for Tuberous sclerosis 1. Last evaluated: 2020-07-10. Review status: criteria provided, single submitter. Criteria: ACMG Guidelines, 2015. Collection method: clinical testing. Allele origin: germline. Affected: yes. Observed: 2 variant alleles.

Ambry Genetics
Classification: Likely benign for Hereditary cancer-predisposing syndrome. Last evaluated: 2018-09-11. Review status: criteria provided, single submitter. Criteria: Ambry Variant Classification Scheme 2023. Collection method: clinical testing. Allele origin: germline.

Illumina Laboratory Services, Illumina
Classification: Likely benign for Tuberous sclerosis 1. Last evaluated: 2017-04-27. Review status: criteria provided, single submitter. Criteria: ICSL Variant Classification Criteria 13 December 2019. Collection method: clinical testing. Allele origin: germline.
Comment: This variant was observed as part of a predisposition screen in an ostensibly healthy population. A literature search was performed for the gene, cDNA change, and amino acid change (where applicable). Publications were found based on this search. The evidence from the literature, in combination with allele frequency data from public databases where available, was sufficient to determine this variant is unlikely to cause disease. Therefore, this variant is classified as likely benign.

Illumina Laboratory Services, Illumina
Classification: Likely benign for Isolated focal cortical dysplasia type II. Last evaluated: 2017-04-27. Review status: criteria provided, single submitter. Criteria: ICSL Variant Classification Criteria 13 December 2019. Collection method: clinical testing. Allele origin: germline.
Comment: This variant was observed as part of a predisposition screen in an ostensibly healthy population. A literature search was performed for the gene, cDNA change, and amino acid change (where applicable). No publications were found based on this search. Allele frequency data from public databases allowed determination this variant is unlikely to cause disease. Therefore, this variant is classified as likely benign.

GeneDx
Classification: Likely benign. Last evaluated: 2017-04-12. Review status: criteria provided, single submitter. Criteria: GeneDx Variant Classification (06012015). Collection method: clinical testing. Allele origin: germline. Affected: yes.
Comment: This variant is considered likely benign or benign based on one or more of the following criteria: it is a conservative change, it occurs at a poorly conserved position in the protein, it is predicted to be benign by multiple in silico algorithms, and/or has population frequency not consistent with disease.

Biesecker Lab/Clinical Genomics Section, National Institutes of Health
Classification: Uncertain significance. Last evaluated: 2012-07-13. Review status: no assertion criteria provided. Collection method: research. Allele origin: germline. Affected: no. Observed: 1 variant allele. Study: ClinSeq. Not counted in ClinVar's aggregate classification.
ClinVar note: Converted during submission from variant of unknown significance to Uncertain significance.

Tuberous sclerosis database (TSC1)
No classification provided. Condition: TSC. Review status: no classification provided. Criteria: Tuberous Sclerosis Database Assertion Criteria 2015. Collection method: curation. Allele origin: germline. Affected: yes. Not counted in ClinVar's aggregate classification.

Literature cited by the submitters: PubMed 10570911 (cited by Ambry Genetics and Illumina Laboratory Services, Illumina); PubMed 21309039 (cited by Ambry Genetics and Illumina Laboratory Services, Illumina); PubMed 23389244 (cited by Ambry Genetics and Illumina Laboratory Services, Illumina); PubMed 22995991 (cited by Illumina Laboratory Services, Illumina); PubMed 12015165 (cited by Illumina Laboratory Services, Illumina).